The following is an entry in ClinVar:

ClinVar aggregate classification (germline): Likely pathogenic. Review status: criteria provided, single submitter (1 of 4 stars). 2 submissions from 1 submitter: Likely pathogenic (2). Last evaluated 2016-01-01.

Conditions:
Epidermolysis bullosa pruriginosa. Also called: DEB, PRURIGINOSA; DYSTROPHIC EPIDERMOLYSIS BULLOSA PRURIGINOSA. Identifiers: Orphanet 89843, MedGen C1275114, MONDO:0011398, OMIM 604129.
Finger syndactyly. Identifiers: MedGen C0221352, HP:0006101.
Toe syndactyly. Identifiers: MedGen C0265660, HP:0001770.
Short stature. Identifiers: MedGen C0349588, HP:0004322.
Palmoplantar blistering. Identifiers: MedGen C4024876, HP:0007446.

Submissions (2):

Centre for Mendelian Genomics, University Medical Centre Ljubljana
Classification: Likely pathogenic for Epidermolysis bullosa pruriginosa. Last evaluated: 2016-01-01. Review status: criteria provided, single submitter. Criteria: ACMG Guidelines, 2015. Collection method: clinical testing. Allele origin: unknown. Affected: yes.
Comment: This variant was classified as: Likely pathogenic.

Centre for Mendelian Genomics, University Medical Centre Ljubljana
Classification: Likely pathogenic for Finger syndactyly; Palmoplantar blistering; Short stature; Toe syndactyly. Last evaluated: 2015-10-21. Review status: criteria provided, single submitter. Criteria: ACMG Guidelines, 2015. Collection method: clinical testing. Allele origin: unknown. Affected: yes.

NM_000094.4(COL7A1):c.8047G>A (p.Gly2683Ser)

Gene: COL7A1 (collagen type VII alpha 1 chain; minus strand). Cytogenetic location: 3p21.31.
Variant type: single nucleotide variant.
Coding change: c.8047G>A on transcript NM_000094.4 (MANE Select); coding-DNA position 8047, G replaced by A.
Protein change: p.Gly2683Ser; replaces glycine 2683 with serine.
Molecular consequence: missense variant.
Genome position (GRCh38, 1-based): chr3:48,567,190, C>T on the plus strand (G>A on the coding strand, the complement: COL7A1 is on the minus strand). VCF-style: chr3-48567190-C-T. GRCh37 (hg19) VCF-style: chr3-48604623-C-T.
Other names: short protein forms G2683S.
Identifiers: ClinVar variation 374053 (VCV000374053.4), dbSNP rs1057518863, ClinGen allele CA16043399.